The following is an entry in ClinVar:

ClinVar aggregate classification (germline): Uncertain significance (1 of 4 stars; one submission).

Conditions:
Inborn genetic diseases. Identifiers: MedGen C0950123, MeSH D030342.

Submission:

Ambry Genetics
Classification: Uncertain significance for Inborn genetic diseases. Last evaluated: 2021-11-14. Review status: criteria provided, single submitter. Criteria: Ambry Variant Classification Scheme 2023. Collection method: clinical testing. Allele origin: germline.
Comment: The p.L67M variant (also known as c.199C>A), located in coding exon 2 of the IDS gene, results from a C to A substitution at nucleotide position 199. The leucine at codon 67 is replaced by methionine, an amino acid with highly similar properties. This amino acid position is conserved. In addition, this alteration is predicted to be deleterious by in silico analysis. Since supporting evidence is limited at this time, the clinical significance of this alteration remains unclear.

NM_000202.8(IDS):c.199C>A (p.Leu67Met)

Gene: IDS (iduronate 2-sulfatase; minus strand). Cytogenetic location: Xq28.
Variant type: single nucleotide variant.
Coding change: c.199C>A on transcript NM_000202.8 (MANE Select); coding-DNA position 199, C replaced by A.
Protein change: p.Leu67Met; replaces leucine 67 with methionine.
Molecular consequence: missense variant. On other transcripts: 5 prime UTR variant (1), non-coding transcript variant (1).
Genome position (GRCh38, 1-based): chrX:149,504,198, G>T on the plus strand (C>A on the coding strand, the complement: IDS is on the minus strand). VCF-style: chrX-149504198-G-T. GRCh37 (hg19) VCF-style: chrX-148585728-G-T.
Other names: c.-28C>A (NM_001166550.4); c.199C>A, p.Leu67Met (NM_006123.5); short protein forms L67M.
Identifiers: ClinVar variation 1784125 (VCV001784125.2), dbSNP rs2520901163, ClinGen allele CA414527392.